The following is an entry in ClinVar:

ClinVar aggregate classification (germline): Pathogenic/Likely pathogenic. Review status: criteria provided, multiple submitters, no conflicts (2 of 4 stars). 14 submissions from 14 submitters: Pathogenic (11); Likely pathogenic (1). 2 of the submissions do not count toward it. Last evaluated 2023-10-18.

Conditions:
CBL-related disorder. Also called: CBL MUTATION-ASSOCIATED SYNDROME; CBL SYNDROME; NOONAN SYNDROME-LIKE DISORDER WITHOUT JUVENILE MYELOMONOCYTIC LEUKEMIA. Identifiers: Orphanet 363972, MedGen C3150803, MONDO:0013308, OMIM 613563.
Noonan syndrome and Noonan-related syndrome. Identifiers: Orphanet 98733, MedGen C5681679, MONDO:0020297.
Inborn genetic diseases. Identifiers: MedGen C0950123, MeSH D030342.
RASopathy. Also called: rasopathies; Noonan spectrum disorder. Identifiers: Orphanet 536391, MedGen C5555857, MONDO:0021060.
Noonan syndrome (NS). Also called: Noonan's syndrome. Identifiers: Orphanet 648, MedGen C0028326, MeSH D009634, MONDO:0018997. Disease mechanism: gain of function.

Submissions (14):

GeneDx
Classification: Pathogenic. Last evaluated: 2023-10-18. Review status: criteria provided, single submitter. Criteria: GeneDx Variant Classification Process June 2021. Collection method: clinical testing. Allele origin: germline. Affected: yes.
Comment: Published functional studies demonstrate a damaging effect on ubiquitination of target proteins (Sanada et al., 2009); In silico analysis supports that this missense variant has a deleterious effect on protein structure/function; Not observed at significant frequency in large population cohorts (gnomAD); This variant is associated with the following publications: (PMID: 24458550, 25358541, 20619386, 24803665, 30803559, 19620960, 26449661, 22315494, 35599849)

Blueprint Genetics
Classification: Pathogenic for CBL-related disorders. Last evaluated: 2022-10-05. Review status: criteria provided, single submitter. Criteria: ACMG Guidelines, 2015. Collection method: clinical testing. Allele origin: germline. Affected: yes. Observed: 2 variant alleles.

Clinical Genetics Laboratory, Skane University Hospital Lund
Classification: Pathogenic. Last evaluated: 2022-05-27. Review status: criteria provided, single submitter. Criteria: ACMG Guidelines, 2015. Collection method: clinical testing. Allele origin: germline. Affected: yes.

Laboratory of Medical Genetics, National & Kapodistrian University of Athens
Classification: Pathogenic for CBL-related disorder. Last evaluated: 2021-08-10. Review status: criteria provided, single submitter. Criteria: ACMG Guidelines, 2015. Collection method: clinical testing. Allele origin: unknown. Affected: yes.
Comment: PM1, PM2, PM5, PP2, PP3, PP5

Labcorp Genetics (formerly Invitae), Labcorp
Classification: Pathogenic for RASopathy. Last evaluated: 2021-04-20. Review status: criteria provided, single submitter. Criteria: Invitae Variant Classification Sherloc (09022015). Collection method: clinical testing. Allele origin: germline.
Comment: For these reasons, this variant has been classified as Pathogenic. Algorithms developed to predict the effect of missense changes on protein structure and function are either unavailable or do not agree on the potential impact of this missense change (SIFT: "Deleterious"; PolyPhen-2: "Probably Damaging"; Align-GVGD: "Class C0"). This variant has been observed to be de novo in individuals affected with Noonan or Noonan-like syndrome (PMID: 20619386, 25358541, 24458550). ClinVar contains an entry for this variant (Variation ID: 13807). This variant is not present in population databases (ExAC no frequency). This sequence change replaces glutamine with proline at codon 367 of the CBL protein (p.Gln367Pro). The glutamine residue is highly conserved and there is a moderate physicochemical difference between glutamine and proline.

Revvity Omics, Revvity
Classification: Pathogenic. Last evaluated: 2020-07-21. Review status: criteria provided, single submitter. Criteria: ACMG Guidelines, 2015. Collection method: clinical testing. Allele origin: germline.

Institute of Human Genetics Munich, TUM University Hospital
Classification: Pathogenic for CBL-related disorder. Last evaluated: 2019-10-10. Review status: criteria provided, single submitter. Criteria: Classification criteria August 2017. Collection method: clinical testing. Allele origin: de novo. Inheritance: Autosomal dominant inheritance. Affected: yes. Observed: 1 heterozygote.

CeGaT Center for Human Genetics Tuebingen
Classification: Pathogenic. Last evaluated: 2019-03-01. Review status: criteria provided, single submitter. Criteria: CeGaT Center For Human Genetics Tuebingen Variant Classification Criteria Version 2. Collection method: clinical testing. Allele origin: germline. Affected: yes. Observed: 1 variant allele.

Genome Diagnostics Laboratory, The Hospital for Sick Children
Classification: Pathogenic for Noonan syndrome and Noonan-related syndrome. Last evaluated: 2018-08-14. Review status: criteria provided, single submitter. Criteria: ACMG Guidelines, 2015. Collection method: clinical testing. Allele origin: germline. Affected: yes.

Ambry Genetics
Classification: Likely pathogenic for Inborn genetic diseases. Last evaluated: 2017-12-12. Review status: criteria provided, single submitter. Criteria: Ambry exome assertion method (8-5-2015). Collection method: clinical testing. Allele origin: germline. Affected: yes. Observed: 1 variant allele.

Laboratory for Molecular Medicine, Mass General Brigham Personalized Medicine
Classification: Pathogenic for Noonan syndrome. Last evaluated: 2017-06-30. Review status: criteria provided, single submitter. Criteria: ACMG Guidelines, 2015. Collection method: clinical testing. Allele origin: germline. Inheritance: Autosomal dominant inheritance.
Comment: The p.Gln367Pro variant in CBL has been reported as de novo in 4 individuals with clinical features of Noonan syndrome (Martinelli 2010, Hanson 2014, Bulow 2015). Additionally, another variant at this position (p.Gln367Lys) has been seen in one family in our lab with clinical features of Noonan syndrome and segregated with disease in 3 affected relatives. This variant has been identified in 1/61496 European chromosomes by the Exome Aggregation Consortium (ExAC; dbSNP rs267606704) and in ClinVar (Variation ID# 13807). Computational prediction tools and conservation analysis suggest that the p.Gln367Pro variant may impact the protein. In summary, this variant meets criteria to be classified as pathogenic for RASopathy disorders in an autosomal dominant manner based upon de novo occurrences.

Center for Pediatric Genomic Medicine, Children's Mercy Hospital and Clinics
Classification: Pathogenic. Last evaluated: 2016-04-11. Review status: criteria provided, single submitter. Criteria: ACMG Guidelines, 2015. Collection method: clinical testing. Allele origin: germline.

Molecular Genetics Laboratory, BC Children's and BC Women's Hospitals
Classification: Pathogenic for CBL-related disorder. Last evaluated: 2015-12-22. Review status: no assertion criteria provided. Criteria: ACMG Guidelines, 2015. Collection method: clinical testing. Allele origin: de novo. Affected: yes. Not counted in ClinVar's aggregate classification.

OMIM
Classification: Pathogenic for NOONAN SYNDROME-LIKE DISORDER WITHOUT JUVENILE MYELOMONOCYTIC LEUKEMIA. Last evaluated: 2010-08-13. Review status: no assertion criteria provided. Collection method: literature only. Allele origin: germline. Not counted in ClinVar's aggregate classification.

Literature cited by the submitters: PubMed 20619386 (cited by 3 submitters); PubMed 25358541 (cited by Labcorp Genetics (formerly Invitae), Labcorp and Laboratory for Molecular Medicine, Mass General Brigham Personalized Medicine); PubMed 24458550 (cited by Labcorp Genetics (formerly Invitae), Labcorp and Laboratory for Molecular Medicine, Mass General Brigham Personalized Medicine).

NM_005188.4(CBL):c.1100A>C (p.Gln367Pro)

Gene: CBL (Cbl proto-oncogene; plus strand). Cytogenetic location: 11q23.3.
Variant type: single nucleotide variant.
Coding change: c.1100A>C on transcript NM_005188.4 (MANE Select); coding-DNA position 1100, A replaced by C.
Protein change: p.Gln367Pro; replaces glutamine 367 with proline.
Molecular consequence: missense variant.
Genome position (GRCh38, 1-based): chr11:119,278,170, A>C. VCF-style: chr11-119278170-A-C. GRCh37 (hg19) VCF-style: chr11-119148880-A-C.
Other names: p.Q367P:CAA>CCA; short protein forms Q367P.
Identifiers: ClinVar variation 13807 (VCV000013807.71), dbSNP rs267606704, ClinGen allele CA123484.